The following is an entry in ClinVar:

ClinVar aggregate classification (germline): Uncertain significance (1 of 4 stars; one submission).

Conditions:
Inborn genetic diseases. Identifiers: MedGen C0950123, MeSH D030342.

gnomAD v4.1: 1 of 1,614,180 alleles (0.000062%); highest among the groups gnomAD compares: East Asian, 0.0022%; no homozygotes.

Submission:

Ambry Genetics
Classification: Uncertain significance for Inborn genetic diseases. Last evaluated: 2026-02-13. Review status: criteria provided, single submitter. Criteria: Ambry Variant Classification Scheme 2023. Collection method: clinical testing. Allele origin: germline.
Comment: The p.H1286Y variant (also known as c.3856C>T), located in coding exon 39 of the FANCA gene, results from a C to T substitution at nucleotide position 3856. The histidine at codon 1286 is replaced by tyrosine, an amino acid with similar properties. This amino acid position is conserved. In addition, this alteration is predicted to be tolerated by in silico analysis. Based on the available evidence, the clinical significance of this variant remains unclear.

NM_000135.4(FANCA):c.3856C>T (p.His1286Tyr)

Genes: FANCA (FA complementation group A; minus strand), ZNF276 (zinc finger protein 276; plus strand). Cytogenetic location: 16q24.3.
Variant type: single nucleotide variant.
Coding change: c.3856C>T on transcript NM_000135.4 (MANE Select); coding-DNA position 3856, C replaced by T.
Protein change: p.His1286Tyr; replaces histidine 1286 with tyrosine.
Molecular consequence: missense variant. On other transcripts: 3 prime UTR variant (2), non-coding transcript variant (4).
Genome position (GRCh38, 1-based): chr16:89,740,072, G>A on the plus strand (C>T on the coding strand, the complement: FANCA is on the minus strand). VCF-style: chr16-89740072-G-A. GRCh37 (hg19) VCF-style: chr16-89806480-G-A.
Other names: c.3856C>T, p.His1286Tyr (NM_001286167.3); c.*1826G>A (NM_001113525.2, NM_152287.4); short protein forms H1286Y.
Identifiers: ClinVar variation 4824599 (VCV004824599.1).
Genomic context (GRCh38, chr16:89,740,072, plus strand): 5'-AGAGTGCCAGCCAGGATATCTTCCTCTTCTCTAAACACTCGAGGATTGCTGCACAAACGT[G>A]GAAAGCCTTTGGCAGGTCTGTGGTGCTCTGTAAACCGCAGGAGACCAACCCTGAGAATGG-3'
Protein context (NP_000126.2, residues 1276-1296): NSTTDLPKAF[His1286Tyr]VCAAILECLE